The following is an entry in ClinVar:

NM_001353921.2(ARHGEF9):c.945+5G>A

Gene: ARHGEF9 (Cdc42 guanine nucleotide exchange factor 9; minus strand). Cytogenetic location: Xq11.1.
Variant type: single nucleotide variant.
Coding change: c.945+5G>A on transcript NM_001353921.2 (MANE Select); 5 bases into the intron after coding-DNA position 945, G replaced by A.
Molecular consequence: intron variant.
Genome position (GRCh38, 1-based): chrX:63,674,033, C>T on the plus strand (G>A on the coding strand, the complement: ARHGEF9 is on the minus strand). VCF-style: chrX-63674033-C-T. GRCh37 (hg19) VCF-style: chrX-62893913-C-T.
Other names: c.765+5G>A (NM_001173479.2); c.945+5G>A (NM_001353922.2); c.861+5G>A (NM_001369043.1, NM_001330495.2, NM_001369038.1 and 8 more transcripts); c.963+5G>A (NM_001353923.1); c.744+5G>A (NM_001369040.1, NM_001369039.1, NM_001353926.2 and 1 more transcripts); c.924+5G>A (NM_001369031.1, NM_001369030.1, NM_001369032.1 and 2 more transcripts); c.510+5G>A (NM_001369045.1); c.618+5G>A (NM_001173480.2, NM_001369042.1).
Identifiers: ClinVar variation 2830877 (VCV002830877.3), dbSNP rs2519728432, ClinGen allele CA2739273536.

ClinVar aggregate classification (germline): Uncertain significance (1 of 4 stars; one submission).

Conditions:
Developmental and epileptic encephalopathy, 8 (DEE8). Also called: HYPEREKPLEXIA AND EPILEPSY. Identifiers: Orphanet 163985, Orphanet 2076, MedGen C1845102, MONDO:0010375, OMIM 300607.

Submission:

Labcorp Genetics (formerly Invitae), Labcorp
Classification: Uncertain significance for Developmental and epileptic encephalopathy, 8. Last evaluated: 2023-06-28. Review status: criteria provided, single submitter. Criteria: Invitae Variant Classification Sherloc (09022015). Collection method: clinical testing. Allele origin: germline.
Comment: Variants that disrupt the consensus splice site are a relatively common cause of aberrant splicing (PMID: 17576681, 9536098). Algorithms developed to predict the effect of sequence changes on RNA splicing suggest that this variant may disrupt the consensus splice site. This sequence change falls in intron 6 of the ARHGEF9 gene. It does not directly change the encoded amino acid sequence of the ARHGEF9 protein. It affects a nucleotide within the consensus splice site. This variant is not present in population databases (gnomAD no frequency). This variant has not been reported in the literature in individuals affected with ARHGEF9-related conditions. In summary, the available evidence is currently insufficient to determine the role of this variant in disease. Therefore, it has been classified as a Variant of Uncertain Significance.

Literature cited by the submitters: PubMed 17576681; PubMed 9536098.